The following is an entry in ClinVar:

ClinVar aggregate classification (germline): Uncertain significance. Review status: criteria provided, multiple submitters, no conflicts (2 of 4 stars). 5 submissions from 5 submitters: Uncertain significance (4). 1 of the submissions does not count toward it. Last evaluated 2026-07-01.

Conditions:
WASHC5-related disorder. Also called: WASHC5-related condition.
Hereditary spastic paraplegia 8 (SPG8). Also called: SPASTIC PARAPLEGIA 8, AUTOSOMAL DOMINANT. Identifiers: Orphanet 100989, MedGen C1863704, MONDO:0011339, OMIM 603563.
Ritscher-Schinzel syndrome. Also called: CRANIOCEREBELLOCARDIAC DYSPLASIA. Identifiers: Orphanet 7, MedGen C0796137, MONDO:0019078.

Allele frequency attached by ClinVar (database versions not stated): ExAC 0.00002; gnomAD exomes 0.00003 and 0.00011; TOPMed 0.00003; gnomAD 0.00006.
gnomAD v4.1: 173 of 1,597,654 alleles (0.011%); highest among the groups gnomAD compares: Non-Finnish European, 0.013%; no homozygotes.

Submissions (5):

CeGaT Center for Human Genetics Tuebingen
Classification: Uncertain significance. Last evaluated: 2026-07-01. Review status: criteria provided, single submitter. Criteria: CeGaT Center For Human Genetics Tuebingen Variant Classification Criteria Version 2. Collection method: clinical testing. Allele origin: germline. Affected: yes. Observed: 1 variant allele.
Comment: WASHC5: PM2, BP4

Women's Health and Genetics/Laboratory Corporation of America, LabCorp
Classification: Uncertain significance. Last evaluated: 2025-12-23. Review status: criteria provided, single submitter. Criteria: LabCorp Variant Classification Summary - May 2015. Collection method: clinical testing. Allele origin: germline.
Comment: Variant summary: WASHC5 c.2850+4T>C alters a conserved nucleotide located close to a canonical splice site and therefore could affect mRNA splicing, leading to a significantly altered protein sequence. Consensus agreement among computation tools predict no significant impact on normal splicing. However, these predictions have yet to be confirmed by functional studies. The variant allele was found at a frequency of 3.2e-05 in 251072 control chromosomes. The available data on variant occurrences in the general population are insufficient to allow any conclusion about variant significance. To our knowledge, no occurrence of c.2850+4T>C in individuals affected with WASHC5-related conditions and no experimental evidence demonstrating its impact on protein function have been reported. ClinVar contains an entry for this variant (Variation ID: 361715). Based on the evidence outlined above, the variant was classified as uncertain significance.

Labcorp Genetics (formerly Invitae), Labcorp
Classification: Uncertain significance for Ritscher-Schinzel syndrome; Hereditary spastic paraplegia 8. Last evaluated: 2024-08-28. Review status: criteria provided, single submitter. Criteria: Invitae Variant Classification Sherloc (09022015). Collection method: clinical testing. Allele origin: germline.
Comment: This sequence change falls in intron 23 of the WASHC5 gene. It does not directly change the encoded amino acid sequence of the WASHC5 protein. It affects a nucleotide within the consensus splice site. This variant is present in population databases (rs770743674, gnomAD 0.007%). This variant has not been reported in the literature in individuals affected with WASHC5-related conditions. ClinVar contains an entry for this variant (Variation ID: 361715). Variants that disrupt the consensus splice site are a relatively common cause of aberrant splicing (PMID: 17576681, 9536098). Algorithms developed to predict the effect of sequence changes on RNA splicing suggest that this variant is not likely to affect RNA splicing. In summary, the available evidence is currently insufficient to determine the role of this variant in disease. Therefore, it has been classified as a Variant of Uncertain Significance.

Illumina Laboratory Services, Illumina
Classification: Uncertain significance for Hereditary spastic paraplegia 8. Last evaluated: 2018-01-12. Review status: criteria provided, single submitter. Criteria: ICSL Variant Classification Criteria 13 December 2019. Collection method: clinical testing. Allele origin: germline.

PreventionGenetics, part of Exact Sciences
Classification: Likely benign for WASHC5-related condition. Last evaluated: 2019-04-08. Review status: no assertion criteria provided. Collection method: clinical testing. Allele origin: germline. Not counted in ClinVar's aggregate classification.
Comment: This variant is classified as likely benign based on ACMG/AMP sequence variant interpretation guidelines (Richards et al. 2015 PMID: 25741868, with internal and published modifications).

Literature cited by the submitters: PubMed 17576681 (cited by Labcorp Genetics (formerly Invitae), Labcorp); PubMed 9536098 (cited by Labcorp Genetics (formerly Invitae), Labcorp).

NM_014846.4(WASHC5):c.2850+4T>C

Genes: WASHC5 (WASH complex subunit 5; minus strand), WASHC5-AS1 (WASHC5 antisense RNA 1; plus strand). Cytogenetic location: 8q24.13.
Variant type: single nucleotide variant.
Coding change: c.2850+4T>C on transcript NM_014846.4 (MANE Select); 4 bases into the intron after coding-DNA position 2850, T replaced by C.
Molecular consequence: intron variant.
Genome position (GRCh38, 1-based): chr8:125,043,821, A>G on the plus strand (T>C on the coding strand, the complement: WASHC5 is on the minus strand). VCF-style: chr8-125043821-A-G. GRCh37 (hg19) VCF-style: chr8-126056063-A-G.
Other names: c.2406+4T>C (NM_001330609.2).
Identifiers: ClinVar variation 361715 (VCV000361715.13), dbSNP rs770743674, ClinGen allele CA4873419.